The following is an entry in ClinVar:

NM_004972.4(JAK2):c.2186A>T (p.Asn729Ile)

Genes: INSL6 (insulin like 6; minus strand), JAK2 (Janus kinase 2; plus strand). Cytogenetic location: 9p24.1.
Variant type: single nucleotide variant.
Coding change: c.2186A>T on transcript NM_004972.4 (MANE Select); coding-DNA position 2186, A replaced by T.
Protein change: p.Asn729Ile; replaces asparagine 729 with isoleucine.
Molecular consequence: missense variant. On other transcripts: non-coding transcript variant (2).
Genome position (GRCh38, 1-based): chr9:5,080,283, A>T. VCF-style: chr9-5080283-A-T. GRCh37 (hg19) VCF-style: chr9-5080283-A-T.
Other names: c.2186A>T, p.Asn729Ile (NM_001322194.2, NM_001322195.2, NM_001322196.2); c.971A>T, p.Asn324Ile (NM_001322198.2, NM_001322199.2); c.1739A>T, p.Asn580Ile (NM_001322204.2); short protein forms N324I, N580I, N729I.
Identifiers: ClinVar variation 2635254 (VCV002635254.3), dbSNP rs1819597387, ClinGen allele CA372827707.

ClinVar aggregate classification (germline): Uncertain significance (0 of 4 stars; one submission).

Conditions:
JAK2-related disorder. Also called: JAK2-related condition.

Allele frequency attached by ClinVar (database versions not stated): gnomAD exomes below 0.00001; gnomAD 0.00001.
gnomAD v4.1: 3 of 1,613,718 alleles (0.00019%); highest among the groups gnomAD compares: Non-Finnish European, 0.00025%; no homozygotes.

Submission:

PreventionGenetics, part of Exact Sciences
Classification: Uncertain significance for JAK2-related condition. Last evaluated: 2024-02-07. Review status: no assertion criteria provided. Collection method: clinical testing. Allele origin: germline.
Comment: The JAK2 c.2186A>T variant is predicted to result in the amino acid substitution p.Asn729Ile. To our knowledge, this variant has not been reported in the literature or in a large population database, indicating this variant is rare. At this time, the clinical significance of this variant is uncertain due to the absence of conclusive functional and genetic evidence.